The following is an entry in ClinVar:

ClinVar aggregate classification (germline): Uncertain significance (1 of 4 stars; one submission).

Allele frequency attached by ClinVar (database versions not stated): gnomAD exomes below 0.00001; ExAC 0.00001; gnomAD 0.00001.

Submission:

Labcorp Genetics (formerly Invitae), Labcorp
Classification: Uncertain significance. Last evaluated: 2022-08-06. Review status: criteria provided, single submitter. Criteria: Invitae Variant Classification Sherloc (09022015). Collection method: clinical testing. Allele origin: germline.
Comment: This sequence change replaces aspartic acid, which is acidic and polar, with asparagine, which is neutral and polar, at codon 295 of the RXYLT1 protein (p.Asp295Asn). This variant is present in population databases (rs750747398, gnomAD 0.0009%). This variant has not been reported in the literature in individuals affected with RXYLT1-related conditions. ClinVar contains an entry for this variant (Variation ID: 1440954). Algorithms developed to predict the effect of missense changes on protein structure and function output the following: SIFT: "Tolerated"; PolyPhen-2: "Benign"; Align-GVGD: "Class C0". The asparagine amino acid residue is found in multiple mammalian species, which suggests that this missense change does not adversely affect protein function. In summary, the available evidence is currently insufficient to determine the role of this variant in disease. Therefore, it has been classified as a Variant of Uncertain Significance.

NM_014254.3(RXYLT1):c.883G>A (p.Asp295Asn)

Gene: RXYLT1 (ribitol xylosyltransferase 1; plus strand). Cytogenetic location: 12q14.2.
Variant type: single nucleotide variant.
Coding change: c.883G>A on transcript NM_014254.3 (MANE Select); coding-DNA position 883, G replaced by A.
Protein change: p.Asp295Asn; replaces aspartic acid 295 with asparagine.
Molecular consequence: missense variant.
Genome position (GRCh38, 1-based): chr12:63,805,373, G>A. VCF-style: chr12-63805373-G-A. GRCh37 (hg19) VCF-style: chr12-64199153-G-A.
Other names: c.103G>A, p.Asp35Asn (NM_001278237.2); short protein forms D35N, D295N.
Identifiers: ClinVar variation 1440954 (VCV001440954.3), dbSNP rs750747398, ClinGen allele CA6666198.